The following is an entry in ClinVar:

ClinVar aggregate classification (germline): Uncertain significance. Review status: criteria provided, multiple submitters, no conflicts (2 of 4 stars). 2 submissions from 2 submitters: Uncertain significance (2). Last evaluated 2024-05-08.

Conditions:
Inborn genetic diseases. Identifiers: MedGen C0950123, MeSH D030342.

Allele frequency attached by ClinVar (database versions not stated): gnomAD 0.00001; TOPMed 0.00001; ExAC 0.00003; gnomAD exomes 0.00004.
gnomAD v4.1: 18 of 1,610,170 alleles (0.0011%); highest among the groups gnomAD compares: South Asian, 0.0077%; no homozygotes.

Submissions (2):

Ambry Genetics
Classification: Uncertain significance for Inborn genetic diseases. Last evaluated: 2024-05-08. Review status: criteria provided, single submitter. Criteria: Ambry Variant Classification Scheme 2023. Collection method: clinical testing. Allele origin: germline.

Labcorp Genetics (formerly Invitae), Labcorp
Classification: Uncertain significance. Last evaluated: 2022-08-16. Review status: criteria provided, single submitter. Criteria: Invitae Variant Classification Sherloc (09022015). Collection method: clinical testing. Allele origin: germline.
Comment: This sequence change replaces isoleucine, which is neutral and non-polar, with leucine, which is neutral and non-polar, at codon 123 of the GHR protein (p.Ile123Leu). This variant is present in population databases (rs762920560, gnomAD 0.01%). This variant has not been reported in the literature in individuals affected with GHR-related conditions. ClinVar contains an entry for this variant (Variation ID: 1484001). Algorithms developed to predict the effect of missense changes on protein structure and function (SIFT, PolyPhen-2, Align-GVGD) all suggest that this variant is likely to be tolerated. In summary, the available evidence is currently insufficient to determine the role of this variant in disease. Therefore, it has been classified as a Variant of Uncertain Significance.

NM_000163.5(GHR):c.367A>C (p.Ile123Leu)

Gene: GHR (growth hormone receptor; plus strand). Cytogenetic location: 5p12.
Variant type: single nucleotide variant.
Coding change: c.367A>C on transcript NM_000163.5 (MANE Select); coding-DNA position 367, A replaced by C.
Protein change: p.Ile123Leu; replaces isoleucine 123 with leucine.
Molecular consequence: missense variant.
Genome position (GRCh38, 1-based): chr5:42,695,017, A>C. VCF-style: chr5-42695017-A-C. GRCh37 (hg19) VCF-style: chr5-42695119-A-C.
Other names: c.388A>C, p.Ile130Leu (NM_001242399.2); c.367A>C, p.Ile123Leu (NM_001242400.2, NM_001242401.4, NM_001242402.2 and 5 more transcripts); c.301A>C, p.Ile101Leu (NM_001242460.2); c.367A>C (NM_000163.4); short protein forms I101L, I130L, I123L.
Identifiers: ClinVar variation 1484001 (VCV001484001.5), dbSNP rs762920560, ClinGen allele CA3254384.